The following is an entry in ClinVar:

NM_000051.4(ATM):c.1689G>A (p.Met563Ile)

Gene: ATM (ATM serine/threonine kinase; plus strand). Cytogenetic location: 11q22.3.
Variant type: single nucleotide variant.
Coding change: c.1689G>A on transcript NM_000051.4 (MANE Select); coding-DNA position 1689, G replaced by A.
Protein change: p.Met563Ile; replaces methionine 563 with isoleucine.
Molecular consequence: missense variant.
Genome position (GRCh38, 1-based): chr11:108,251,918, G>A. VCF-style: chr11-108251918-G-A. GRCh37 (hg19) VCF-style: chr11-108122645-G-A.
Other names: c.1689G>A, p.Met563Ile (NM_001351834.2); short protein forms M563I.
Identifiers: ClinVar variation 185802 (VCV000185802.18), dbSNP rs786202469, ClinGen allele CA192994.
Genomic context (GRCh38, chr11:108,251,918, plus strand): 5'-TTTGGCACTGACCACCAGTATAGTTCCAGGAACGGTAAAAATGGGAATAGAGCAAAATAT[G>A]TGTGAAGTAAATAGAAGCTTTTCTTTAAAGGAATCAATAATGAAATGGCTCTTATTCTAT-3'
Protein context (NP_000042.3, residues 553-573): GTVKMGIEQN[Met563Ile]CEVNRSFSLK

ClinVar aggregate classification (germline): Conflicting classifications of pathogenicity. Review status: criteria provided, conflicting classifications (1 of 4 stars). 3 submissions from 3 submitters: Uncertain significance (2); Likely benign (1). Last evaluated 2025-09-17.
ClinVar aggregate classification (oncogenicity): Uncertain significance (1 of 4 stars; one submission).

Conditions:
Ataxia-telangiectasia syndrome (AT). Also called: Ataxia-telangiectasia, complementation group D; AT, COMPLEMENTATION GROUP C; ATAXIA-TELANGIECTASIA, COMPLEMENTATION GROUP A; ATAXIA-TELANGIECTASIA, FRESNO VARIANT; Ataxia-telangiectasia; LOUIS-BAR SYNDROME. Identifiers: Orphanet 100, MedGen C0004135, MONDO:0008840, OMIM 208900.
Hereditary cancer-predisposing syndrome. Also called: Hereditary Cancer Syndrome; Neoplastic Syndromes, Hereditary; Tumor predisposition; Hereditary neoplastic syndrome. Identifiers: Orphanet 140162, MedGen C0027672, MeSH D009386, MONDO:0015356.
Neoplasm. Also called: Neoplasms; Neoplasm (disease); tumor. Identifiers: MedGen C0027651, MeSH D009369, MONDO:0005070, HP:0002664.

Submissions (4):

Labcorp Genetics (formerly Invitae), Labcorp
Classification: Uncertain significance for Ataxia-telangiectasia syndrome. Last evaluated: 2025-09-17. Review status: criteria provided, single submitter. Criteria: Invitae Variant Classification Sherloc (09022015). Collection method: clinical testing. Allele origin: germline.
Comment: This sequence change replaces methionine, which is neutral and non-polar, with isoleucine, which is neutral and non-polar, at codon 563 of the ATM protein (p.Met563Ile). This variant is not present in population databases (gnomAD no frequency). This variant has not been reported in the literature in individuals affected with ATM-related conditions. ClinVar contains an entry for this variant (Variation ID: 185802). Invitae Evidence Modeling of protein sequence and biophysical properties (such as structural, functional, and spatial information, amino acid conservation, physicochemical variation, residue mobility, and thermodynamic stability) indicates that this missense variant is not expected to disrupt ATM protein function with a negative predictive value of 95%. In summary, the available evidence is currently insufficient to determine the role of this variant in disease. Therefore, it has been classified as a Variant of Uncertain Significance.

Center for Genomic Medicine, Rigshospitalet, Copenhagen University Hospital
Classification: Uncertain significance for Neoplasm. Last evaluated: 2025-03-04. Review status: criteria provided, single submitter. Criteria: ClinGen/CGC/VICC Guidelines for Oncogenicity, 2022. Collection method: clinical testing. Allele origin: somatic. Affected: yes.

Color Diagnostics, LLC DBA Color Health
Classification: Uncertain significance for Hereditary cancer-predisposing syndrome. Last evaluated: 2024-06-17. Review status: criteria provided, single submitter. Criteria: ACMG Guidelines, 2015. Collection method: clinical testing. Allele origin: germline.
Comment: This missense variant replaces methionine with isoleucine at codon 563 of the ATM protein. Computational prediction suggests that this variant may not impact protein structure and function (internally defined REVEL score threshold <= 0.5, PMID: 27666373). To our knowledge, functional studies have not been reported for this variant. This variant has not been reported in individuals affected with ATM-related disorders in the literature. This variant has not been identified in the general population by the Genome Aggregation Database (gnomAD). The available evidence is insufficient to determine the role of this variant in disease conclusively. Therefore, this variant is classified as a Variant of Uncertain Significance.

Ambry Genetics
Classification: Likely benign for Hereditary cancer-predisposing syndrome. Last evaluated: 2017-12-27. Review status: criteria provided, single submitter. Criteria: Ambry Variant Classification Scheme 2023. Collection method: clinical testing. Allele origin: germline.